The following is an entry in ClinVar:

ClinVar aggregate classification (germline): Uncertain significance (1 of 4 stars; one submission).

Submission:

Labcorp Genetics (formerly Invitae), Labcorp
Classification: Uncertain significance. Last evaluated: 2025-08-14. Review status: criteria provided, single submitter. Criteria: Invitae Variant Classification Sherloc (09022015). Collection method: clinical testing. Allele origin: germline.
Comment: This sequence change replaces tyrosine, which is neutral and polar, with cysteine, which is neutral and slightly polar, at codon 235 of the GNA11 protein (p.Tyr235Cys). This variant is not present in population databases (gnomAD no frequency). This variant has not been reported in the literature in individuals affected with GNA11-related conditions. Invitae Evidence Modeling of protein sequence and biophysical properties (such as structural, functional, and spatial information, amino acid conservation, physicochemical variation, residue mobility, and thermodynamic stability) indicates that this missense variant is expected to disrupt GNA11 protein function with a positive predictive value of 80%. In summary, the available evidence is currently insufficient to determine the role of this variant in disease. Therefore, it has been classified as a Variant of Uncertain Significance.

NM_002067.5(GNA11):c.704A>G (p.Tyr235Cys)

Gene: GNA11 (G protein subunit alpha 11; plus strand). Cytogenetic location: 19p13.3.
Variant type: single nucleotide variant.
Coding change: c.704A>G on transcript NM_002067.5 (MANE Select); coding-DNA position 704, A replaced by G.
Protein change: p.Tyr235Cys; replaces tyrosine 235 with cysteine.
Molecular consequence: missense variant.
Genome position (GRCh38, 1-based): chr19:3,119,022, A>G. VCF-style: chr19-3119022-A-G. GRCh37 (hg19) VCF-style: chr19-3119020-A-G.
Other names: short protein forms Y235C.
Identifiers: ClinVar variation 4745472 (VCV004745472.1).
Genomic context (GRCh38, chr19:3,119,022, plus strand): 5'-AGTGGATCCACTGCTTTGAGAACGTGACATCCATCATGTTTCTCGTCGCCCTCAGCGAAT[A>G]CGACCAAGTCCTGGTGGAGTCGGACAACGAGGTGGGCCCTGCCCTGAGCAGGGGCAGCGT-3'
Protein context (NP_002058.2, residues 225-245): SIMFLVALSE[Tyr235Cys]DQVLVESDNE